The following is an entry in ClinVar:

ClinVar aggregate classification (germline): Uncertain significance (1 of 4 stars; one submission).

Allele frequency attached by ClinVar (database versions not stated): gnomAD exomes below 0.00001; TOPMed below 0.00001; gnomAD 0.00001.
gnomAD v4.1: 2 of 1,614,060 alleles (0.00012%); highest among the groups gnomAD compares: Non-Finnish European, 0.00017%; no homozygotes.

Submission:

Ambry Genetics
Classification: Uncertain significance. Last evaluated: 2024-09-02. Review status: criteria provided, single submitter. Criteria: Ambry Variant Classification Scheme 2023. Collection method: clinical testing. Allele origin: germline.
Comment: The p.S65A variant (also known as c.193T>G), located in coding exon 1 of the PALLD gene, results from a T to G substitution at nucleotide position 193. The serine at codon 65 is replaced by alanine, an amino acid with similar properties. This amino acid position is conserved. In addition, this alteration is predicted to be tolerated by in silico analysis. Since supporting evidence is limited at this time, the clinical significance of this alteration remains unclear.

NM_001166108.2(PALLD):c.193T>G (p.Ser65Ala)

Gene: PALLD (palladin, cytoskeletal associated protein; plus strand). Cytogenetic location: 4q32.3.
Variant type: single nucleotide variant.
Coding change: c.193T>G on transcript NM_001166108.2 (MANE Select); coding-DNA position 193, T replaced by G.
Protein change: p.Ser65Ala; replaces serine 65 with alanine.
Molecular consequence: missense variant.
Genome position (GRCh38, 1-based): chr4:168,511,697, T>G. VCF-style: chr4-168511697-T-G. GRCh37 (hg19) VCF-style: chr4-169432848-T-G.
Other names: c.193T>G, p.Ser65Ala (NM_016081.4); short protein forms S65A.
Identifiers: ClinVar variation 1783043 (VCV001783043.3), dbSNP rs1302010200, ClinGen allele CA358725000.